The following is an entry in ClinVar:

NM_032217.5(ANKRD17):c.669A>T (p.Arg223Ser)

Gene: ANKRD17 (ankyrin repeat domain 17; minus strand). Cytogenetic location: 4q13.3.
Variant type: single nucleotide variant.
Coding change: c.669A>T on transcript NM_032217.5 (MANE Select); coding-DNA position 669, A replaced by T.
Protein change: p.Arg223Ser; replaces arginine 223 with serine.
Molecular consequence: missense variant.
Genome position (GRCh38, 1-based): chr4:73,161,227, T>A on the plus strand (A>T on the coding strand, the complement: ANKRD17 is on the minus strand). VCF-style: chr4-73161227-T-A. GRCh37 (hg19) VCF-style: chr4-74026944-T-A.
Other names: c.330A>T, p.Arg110Ser (NM_001286771.3); c.669A>T, p.Arg223Ser (NM_015574.2, NM_198889.3); short protein forms R110S, R223S.
Identifiers: ClinVar variation 3371344 (VCV003371344.1).

ClinVar aggregate classification (germline): Uncertain significance (1 of 4 stars; one submission).

Submission:

GeneDx
Classification: Uncertain significance. Last evaluated: 2024-04-02. Review status: criteria provided, single submitter. Criteria: GeneDx Variant Classification Process June 2021. Collection method: clinical testing. Allele origin: germline. Affected: yes.
Comment: Not observed at significant frequency in large population cohorts (gnomAD); In silico analysis supports that this missense variant has a deleterious effect on protein structure/function; Has not been previously published as pathogenic or benign to our knowledge